The following is an entry in ClinVar:

NM_001367871.1(FBRSL1):c.2454C>T (p.Arg818=)

Gene: FBRSL1 (fibrosin like 1; plus strand). Cytogenetic location: 12q24.33.
Variant type: single nucleotide variant.
Coding change: c.2454C>T on transcript NM_001367871.1 (MANE Select); coding-DNA position 2454, C replaced by T.
Protein change: p.Arg818=; no amino-acid change (arginine 818 retained).
Molecular consequence: synonymous variant.
Genome position (GRCh38, 1-based): chr12:132,583,223, C>T. VCF-style: chr12-132583223-C-T. GRCh37 (hg19) VCF-style: chr12-133159809-C-T.
Other names: c.2583C>T, p.Arg861= (NM_001142641.2); c.2508C>T, p.Arg836= (NM_001382739.1); c.1833C>T, p.Arg611= (NM_001382740.1).
Identifiers: ClinVar variation 4822808 (VCV004822808.4).

ClinVar aggregate classification (germline): Likely benign (1 of 4 stars; one submission).

gnomAD v4.1: 10 of 1,405,726 alleles (0.00071%); highest among the groups gnomAD compares: Admixed American, 0.026%; no homozygotes.

Submission:

CeGaT Center for Human Genetics Tuebingen
Classification: Likely benign. Last evaluated: 2025-12-01. Review status: criteria provided, single submitter. Criteria: CeGaT Center For Human Genetics Tuebingen Variant Classification Criteria Version 2. Collection method: clinical testing. Allele origin: germline. Affected: yes. Observed: 1 variant allele.
Comment: FBRSL1: BP4, BP7